The following is an entry in ClinVar:

NM_001351132.2(PEX5):c.664A>G (p.Ile222Val)

Gene: PEX5 (peroxisomal biogenesis factor 5; plus strand). Cytogenetic location: 12p13.31.
Variant type: single nucleotide variant.
Coding change: c.664A>G on transcript NM_001351132.2 (MANE Select); coding-DNA position 664, A replaced by G.
Protein change: p.Ile222Val; replaces isoleucine 222 with valine.
Molecular consequence: missense variant. On other transcripts: intron variant (15).
Genome position (GRCh38, 1-based): chr12:7,202,262, A>G. VCF-style: chr12-7202262-A-G. GRCh37 (hg19) VCF-style: chr12-7354858-A-G.
Other names: c.664A>G (NM_001131025.1); c.664A>G, p.Ile222Val (NM_000319.5, NM_001131025.2, NM_001131026.2 and 6 more transcripts); c.709A>G, p.Ile237Val (NM_001131023.2); c.643-350A>G (NM_001351124.3, NM_001351126.2, NM_001374646.1 and 10 more transcripts); c.688-350A>G (NM_001351135.3, NM_001351138.2); short protein forms I222V, I237V.
Identifiers: ClinVar variation 1361478 (VCV001361478.7), dbSNP rs778800705, ClinGen allele CA6426230.
Genomic context (GRCh38, chr12:7,202,262, plus strand): 5'-TCCTTTCCCAAGTGGCCTGTGTGTGTCTCTGTGCCCCAGTTCCTGAAATTCGTGCGGCAG[A>G]TTGGCGAAGGGCAGGTGTCCCTGGAGTCCGGTGCAGGGTCGGGCCGAGCTCAGGCAGAAC-3'
Protein context (NP_001338061.1, residues 212-232): NSEFLKFVRQ[Ile222Val]GEGQVSLESG

ClinVar aggregate classification (germline): Uncertain significance. Review status: criteria provided, multiple submitters, no conflicts (2 of 4 stars). 5 submissions from 3 submitters: Uncertain significance (5). Last evaluated 2026-01-20.

Conditions:
Rhizomelic chondrodysplasia punctata type 5 (RCDP5). Identifiers: Orphanet 468717, MedGen C4225237, MONDO:0014743, OMIM 616716.
Peroxisome biogenesis disorder 2B (PBD2B). Identifiers: Orphanet 44, MedGen C3550234, MONDO:0008736, OMIM 202370.
Peroxisome biogenesis disorder 2A (Zellweger) (PBD2A). Also called: Cerebrohepatorenal syndrome, variant types. Identifiers: Orphanet 912, MedGen C3550273, MONDO:0008954, OMIM 214110.

Allele frequency attached by ClinVar (database versions not stated): TOPMed 0.00001; gnomAD exomes 0.00002; ExAC 0.00003.
gnomAD v4.1: 24 of 1,614,092 alleles (0.0015%); highest among the groups gnomAD compares: East Asian, 0.053%; no homozygotes.

Submissions (5):

Labcorp Genetics (formerly Invitae), Labcorp
Classification: Uncertain significance for Peroxisome biogenesis disorder 2B. Last evaluated: 2026-01-20. Review status: criteria provided, single submitter. Criteria: Invitae Variant Classification Sherloc (09022015). Collection method: clinical testing. Allele origin: germline.
Comment: This sequence change replaces isoleucine, which is neutral and non-polar, with valine, which is neutral and non-polar, at codon 222 of the PEX5 protein (p.Ile222Val). This variant is present in population databases (rs778800705, gnomAD 0.03%). This variant has not been reported in the literature in individuals affected with PEX5-related conditions. ClinVar contains an entry for this variant (Variation ID: 1361478). Invitae Evidence Modeling of protein sequence and biophysical properties (such as structural, functional, and spatial information, amino acid conservation, physicochemical variation, residue mobility, and thermodynamic stability) indicates that this missense variant is not expected to disrupt PEX5 protein function with a negative predictive value of 80%. Algorithms developed to predict the effect of sequence changes on RNA splicing suggest that this variant may disrupt the consensus splice site. In summary, the available evidence is currently insufficient to determine the role of this variant in disease. Therefore, it has been classified as a Variant of Uncertain Significance.

Baylor Genetics
Classification: Uncertain significance for Peroxisome biogenesis disorder 2B. Last evaluated: 2022-11-28. Review status: criteria provided, single submitter. Criteria: ACMG Guidelines, 2015. Collection method: clinical testing. Allele origin: unknown.

Baylor Genetics
Classification: Uncertain significance for Peroxisome biogenesis disorder 2A (Zellweger). Last evaluated: 2022-11-28. Review status: criteria provided, single submitter. Criteria: ACMG Guidelines, 2015. Collection method: clinical testing. Allele origin: unknown.

Baylor Genetics
Classification: Uncertain significance for Rhizomelic chondrodysplasia punctata type 5. Last evaluated: 2022-11-28. Review status: criteria provided, single submitter. Criteria: ACMG Guidelines, 2015. Collection method: clinical testing. Allele origin: unknown.

Blueprint Genetics
Classification: Uncertain significance. Last evaluated: 2019-04-30. Review status: criteria provided, single submitter. Criteria: ACMG Guidelines, 2015. Collection method: clinical testing. Allele origin: germline.